The following is an entry in ClinVar:

ClinVar aggregate classification (germline): Benign (1 of 4 stars; one submission).

Allele frequency attached by ClinVar (database versions not stated): ExAC 0.34738.

Submission:

Laboratory for Molecular Medicine, Mass General Brigham Personalized Medicine
Classification: Benign. Last evaluated: 2016-03-28. Review status: criteria provided, single submitter. Criteria: LMM Criteria. Collection method: clinical testing. Allele origin: germline.
Comment: Variant identified in a genome or exome case(s) and assessed due to predicted null impact of the variant or pathogenic assertions in the literature or databases. Disclaimer: This variant has not undergone full assessment. The following are preliminary notes: Frequency

NM_002458.3(MUC5B):c.2034A>G (p.Val678=)

Gene: MUC5B (mucin 5B, oligomeric mucus/gel-forming; plus strand). Cytogenetic location: 11p15.5.
Variant type: single nucleotide variant.
Coding change: c.2034A>G on transcript NM_002458.3 (MANE Select); coding-DNA position 2034, A replaced by G.
Protein change: p.Val678=; no amino-acid change (valine 678 retained).
Molecular consequence: synonymous variant.
Genome position (GRCh38, 1-based): chr11:1,232,739, A>G. VCF-style: chr11-1232739-A-G. GRCh37 (hg19) VCF-style: chr11-1253969-A-G.
Identifiers: ClinVar variation 403126 (VCV000403126.4), dbSNP rs72846370, ClinGen allele CA5804508.